The following is an entry in ClinVar:

NM_021815.5(SLC5A7):c.1153G>T (p.Val385Leu)

Gene: SLC5A7 (solute carrier family 5 member 7; plus strand). Cytogenetic location: 2q12.3.
Variant type: single nucleotide variant.
Coding change: c.1153G>T on transcript NM_021815.5 (MANE Select); coding-DNA position 1153, G replaced by T.
Protein change: p.Val385Leu; replaces valine 385 with leucine.
Molecular consequence: missense variant.
Genome position (GRCh38, 1-based): chr2:108,010,271, G>T. VCF-style: chr2-108010271-G-T. GRCh37 (hg19) VCF-style: chr2-108626727-G-T.
Other names: c.1153G>T, p.Val385Leu (NM_001305005.3); c.838G>T, p.Val280Leu (NM_001305006.3); c.412G>T, p.Val138Leu (NM_001305007.3); short protein forms V138L, V280L, V385L.
Identifiers: ClinVar variation 1023547 (VCV001023547.5), dbSNP rs1678267305, ClinGen allele CA348113964.

ClinVar aggregate classification (germline): Uncertain significance (1 of 4 stars; one submission).

Conditions:
Congenital myasthenic syndrome 20. Also called: Myasthenic syndrome, congenital, 20, presynaptic. Identifiers: MedGen C4310694, MONDO:0014939, OMIM 617143.
Neuronopathy, distal hereditary motor, type 7A. Also called: HARPER-YOUNG MYOPATHY; HMN VIIA; Neuronopathy, distal hereditary motor, type viia; NEURONOPATHY, DISTAL HEREDITARY MOTOR, HARDING TYPE VIIA; NEUROPATHY, DISTAL HEREDITARY MOTOR, HARDING TYPE VIIA; SPINAL MUSCULAR ATROPHY, DISTAL, WITH VOCAL CORD PARALYSIS. Identifiers: Orphanet 139589, MedGen C1834703, MONDO:0008024, OMIM 158580.

Submission:

Labcorp Genetics (formerly Invitae), Labcorp
Classification: Uncertain significance for Neuronopathy, distal hereditary motor, type 7A; Congenital myasthenic syndrome 20. Last evaluated: 2023-10-25. Review status: criteria provided, single submitter. Criteria: Invitae Variant Classification Sherloc (09022015). Collection method: clinical testing. Allele origin: germline.
Comment: This sequence change replaces valine, which is neutral and non-polar, with leucine, which is neutral and non-polar, at codon 385 of the SLC5A7 protein (p.Val385Leu). This variant is not present in population databases (gnomAD no frequency). This variant has not been reported in the literature in individuals affected with SLC5A7-related conditions. ClinVar contains an entry for this variant (Variation ID: 1023547). Advanced modeling of protein sequence and biophysical properties (such as structural, functional, and spatial information, amino acid conservation, physicochemical variation, residue mobility, and thermodynamic stability) performed at Invitae indicates that this missense variant is not expected to disrupt SLC5A7 protein function with a negative predictive value of 80%. In summary, the available evidence is currently insufficient to determine the role of this variant in disease. Therefore, it has been classified as a Variant of Uncertain Significance.